The following is an entry in ClinVar:

ClinVar aggregate classification (germline): Pathogenic/Likely pathogenic. Review status: criteria provided, multiple submitters, no conflicts (2 of 4 stars). 6 submissions from 6 submitters: Pathogenic (4); Likely pathogenic (1). 1 of the submissions does not count toward it. Last evaluated 2026-01-23.

Conditions:
Curry-Hall syndrome (WAD). Also called: WEYERS ACRODENTAL DYSOSTOSIS. Identifiers: Orphanet 952, MedGen C0457013, MONDO:0008673, OMIM 193530.
Ellis-van Creveld syndrome (EVC). Also called: Chondroectodermal dysplasia; MESOECTODERMAL DYSPLASIA. Identifiers: Orphanet 289, MedGen C0013903, MONDO:0009162, OMIM 225500.
EVC2-related disorder. Also called: EVC2-related condition.

Allele frequency attached by ClinVar (database versions not stated): gnomAD exomes 0.00001; TOPMed 0.00001; ExAC 0.00002; gnomAD 0.00002.
gnomAD v4.1: 24 of 1,614,034 alleles (0.0015%); highest among the groups gnomAD compares: African/African-American, 0.0027%; no homozygotes.

Submissions (6):

PreventionGenetics, part of Exact Sciences
Classification: Pathogenic for EVC2-related condition. Last evaluated: 2026-01-23. Review status: criteria provided, single submitter. Criteria: ACMG Guidelines, 2015. Collection method: clinical testing. Allele origin: germline.
Comment: The EVC2 c.2620C>T variant is predicted to result in premature protein termination (p.Arg874*). This variant was reported in individuals with Ellis-van Creveld syndrome (Table II, Ruiz-Perez et al. 2009. PubMed ID: 19876929), including a report of it being in the compound heterozygous state with another pathogenic variant in EVC2 (Table 2, Sund et al. 2009. PubMed ID: 19251731). This variant is reported in 0.0026% of alleles in individuals of European (Non-Finnish) descent in gnomAD. Nonsense variants in EVC2 are expected to be pathogenic. This variant is interpreted as pathogenic.

Labcorp Genetics (formerly Invitae), Labcorp
Classification: Pathogenic for Curry-Hall syndrome; Ellis-van Creveld syndrome. Last evaluated: 2025-04-12. Review status: criteria provided, single submitter. Criteria: Invitae Variant Classification Sherloc (09022015). Collection method: clinical testing. Allele origin: germline.
Comment: This sequence change creates a premature translational stop signal (p.Arg874*) in the EVC2 gene. It is expected to result in an absent or disrupted protein product. Loss-of-function variants in EVC2 are known to be pathogenic (PMID: 17024374, 19810119, 19876929). This variant is present in population databases (rs760382778, gnomAD 0.003%). This premature translational stop signal has been observed in individual(s) with Ellis van Creveld (EvC) syndrome (PMID: 19251731). ClinVar contains an entry for this variant (Variation ID: 554547). For these reasons, this variant has been classified as Pathogenic.

Variantyx, Inc.
Classification: Pathogenic for Ellis-van Creveld syndrome. Last evaluated: 2025-04-02. Review status: criteria provided, single submitter. Criteria: Variantyx Assertion Criteria 2022. Collection method: clinical testing. Allele origin: germline. Inheritance: Autosomal recessive inheritance. Affected: yes.
Comment: This is a nonsense variant in the EVC2 gene (OMIM: 607261). Pathogenic variants in this gene have been associated with autosomal recessive Ellis-van Creveld syndrome. This variant introduces a premature termination codon in exon 15 out of 22 and is expected to result in loss of function, which is a known disease mechanism for EVC2 in this disorder (PMID: 37107645, 17024374, 19810119, 19876929) (PVS1). This variant has been reported in the compound heterozygous state in an affected individual (PMID: 19251731), and it has a 0.0027% maximum allele frequency in non-founder control populations (PM2). The clinical symptoms reported for this individual are highly specific for autosomal recessive Ellis-van Creveld syndrome, which has a limited genetic etiology (PMID: 37903214) (PP4). Based on the current evidence, this variant is classified as pathogenic for autosomal recessive Ellis-van Creveld syndrome.

Fulgent Genetics
Classification: Pathogenic for Curry-Hall syndrome; Ellis-van Creveld syndrome. Last evaluated: 2024-02-27. Review status: criteria provided, single submitter. Criteria: ACMG Guidelines, 2015. Collection method: clinical testing. Allele origin: germline.

GeneDx
Classification: Likely pathogenic. Last evaluated: 2021-03-08. Review status: criteria provided, single submitter. Criteria: GeneDx Variant Classification Process June 2021. Collection method: clinical testing. Allele origin: germline. Affected: yes.
Comment: Has been reported previously in an individual with Ellis-van Creveld syndrome who also harbored a missense variant (Sund et al., 2009); Nonsense variant predicted to result in protein truncation or nonsense mediated decay in a gene for which loss-of-function is a known mechanism of disease; Not observed at a significant frequency in large population cohorts (Lek et al., 2016); This variant is associated with the following publications: (PMID: 31589614, 25525159, 19251731)

Counsyl
Classification: Likely pathogenic for Ellis-van Creveld syndrome. Last evaluated: 2017-10-25. Review status: no assertion criteria provided. Collection method: clinical testing. Allele origin: unknown. Not counted in ClinVar's aggregate classification.

Literature cited by the submitters: PubMed 17024374 (cited by Labcorp Genetics (formerly Invitae), Labcorp and Variantyx, Inc.); PubMed 19810119 (cited by Labcorp Genetics (formerly Invitae), Labcorp and Variantyx, Inc.); PubMed 19876929 (cited by Labcorp Genetics (formerly Invitae), Labcorp and Variantyx, Inc.); PubMed 19251731 (cited by 3 submitters); PubMed 37107645 (cited by Variantyx, Inc.); PubMed 25525159 (cited by Counsyl).

NM_147127.5(EVC2):c.2620C>T (p.Arg874Ter)

Gene: EVC2 (EvC ciliary complex subunit 2; minus strand). Cytogenetic location: 4p16.2.
Variant type: single nucleotide variant.
Coding change: c.2620C>T on transcript NM_147127.5 (MANE Select); coding-DNA position 2620, C replaced by T.
Protein change: p.Arg874Ter; replaces arginine 874 with a stop codon.
Molecular consequence: nonsense.
Genome position (GRCh38, 1-based): chr4:5,618,564, G>A on the plus strand (C>T on the coding strand, the complement: EVC2 is on the minus strand). VCF-style: chr4-5618564-G-A. GRCh37 (hg19) VCF-style: chr4-5620291-G-A.
Other names: c.2380C>T, p.Arg794Ter (NM_001166136.2); short protein forms R874*, R794*.
Identifiers: ClinVar variation 554547 (VCV000554547.14), dbSNP rs760382778, ClinGen allele CA2834648.